The following is an entry in ClinVar:

ClinVar aggregate classification (germline): Uncertain significance (1 of 4 stars; one submission).

Allele frequency attached by ClinVar (database versions not stated): gnomAD exomes below 0.00001 and 0.00001; gnomAD 0.00001; TOPMed 0.00001; ExAC 0.00002.
gnomAD v4.1: 8 of 1,613,794 alleles (0.0005%); highest among the groups gnomAD compares: Admixed American, 0.005%; no homozygotes.

Submission:

Labcorp Genetics (formerly Invitae), Labcorp
Classification: Uncertain significance. Last evaluated: 2022-08-16. Review status: criteria provided, single submitter. Criteria: Invitae Variant Classification Sherloc (09022015). Collection method: clinical testing. Allele origin: germline.
Comment: ClinVar contains an entry for this variant (Variation ID: 1520282). In summary, the available evidence is currently insufficient to determine the role of this variant in disease. Therefore, it has been classified as a Variant of Uncertain Significance. Algorithms developed to predict the effect of missense changes on protein structure and function are either unavailable or do not agree on the potential impact of this missense change (SIFT: "Tolerated"; PolyPhen-2: "Probably Damaging"; Align-GVGD: "Class C0"). This variant has not been reported in the literature in individuals affected with FCHO1-related conditions. This variant is present in population databases (rs771081570, gnomAD 0.006%). This sequence change replaces arginine, which is basic and polar, with glutamine, which is neutral and polar, at codon 328 of the FCHO1 protein (p.Arg328Gln).

NM_015122.3(FCHO1):c.983G>A (p.Arg328Gln)

Gene: FCHO1 (FCH and mu domain containing endocytic adaptor 1; plus strand). Cytogenetic location: 19p13.11.
Variant type: single nucleotide variant.
Coding change: c.983G>A on transcript NM_015122.3 (MANE Select); coding-DNA position 983, G replaced by A.
Protein change: p.Arg328Gln; replaces arginine 328 with glutamine.
Molecular consequence: missense variant. On other transcripts: non-coding transcript variant (36).
Genome position (GRCh38, 1-based): chr19:17,775,493, G>A. VCF-style: chr19-17775493-G-A. GRCh37 (hg19) VCF-style: chr19-17886302-G-A.
Other names: c.983G>A, p.Arg328Gln (NM_001161357.2, NM_001161358.2, NM_001384370.1 and 25 more transcripts); c.833G>A, p.Arg278Gln (NM_001161359.2, NM_001384384.1, NM_001384385.1 and 3 more transcripts); c.944G>A, p.Arg315Gln (NM_001384388.1, NM_001384389.1, NM_001384405.1); c.908G>A, p.Arg303Gln (NM_001384390.1); c.938G>A, p.Arg313Gln (NM_001384403.1); short protein forms R278Q, R303Q, R313Q, R328Q, R315Q.
Identifiers: ClinVar variation 1520282 (VCV001520282.6), dbSNP rs771081570, ClinGen allele CA9300338.